The following is an entry in ClinVar:

NM_004260.4(RECQL4):c.332C>G (p.Ala111Gly)

Gene: RECQL4 (RecQ like helicase 4; minus strand). Cytogenetic location: 8q24.3.
Variant type: single nucleotide variant.
Coding change: c.332C>G on transcript NM_004260.4 (MANE Select); coding-DNA position 332, C replaced by G.
Protein change: p.Ala111Gly; replaces alanine 111 with glycine.
Molecular consequence: missense variant.
Genome position (GRCh38, 1-based): chr8:144,517,072, G>C on the plus strand (C>G on the coding strand, the complement: RECQL4 is on the minus strand). VCF-style: chr8-144517072-G-C. GRCh37 (hg19) VCF-style: chr8-145742456-G-C.
Other names: short protein forms A111G.
Identifiers: ClinVar variation 1381416 (VCV001381416.6), dbSNP rs1586830051, ClinGen allele CA372691953.
Genomic context (GRCh38, chr8:144,517,072, plus strand): 5'-TGGACCTAGCGTGGACTCACTGCCTGCCCACTCCTCACCTGCAGGGTGCCTTTCAGATTG[G>C]CCTTGAGCCGCTGCCCGTAGTCCGGCACCGAGCCCTGGCGGCTCCGCCCTGGCGTAGACT-3'
Protein context (NP_004251.4, residues 101-121): SVPDYGQRLK[Ala111Gly]NLKGTLQAGP

ClinVar aggregate classification (germline): Uncertain significance (1 of 4 stars; one submission).

Conditions:
Baller-Gerold syndrome (BGS). Also called: CRANIOSYNOSTOSIS WITH RADIAL DEFECTS. Identifiers: Orphanet 1225, MedGen C0265308, MONDO:0009039, OMIM 218600.

Submission:

Labcorp Genetics (formerly Invitae), Labcorp
Classification: Uncertain significance for Baller-Gerold syndrome. Last evaluated: 2023-07-10. Review status: criteria provided, single submitter. Criteria: Invitae Variant Classification Sherloc (09022015). Collection method: clinical testing. Allele origin: germline.
Comment: In summary, the available evidence is currently insufficient to determine the role of this variant in disease. Therefore, it has been classified as a Variant of Uncertain Significance. Advanced modeling of protein sequence and biophysical properties (such as structural, functional, and spatial information, amino acid conservation, physicochemical variation, residue mobility, and thermodynamic stability) performed at Invitae indicates that this missense variant is expected to disrupt RECQL4 protein function. ClinVar contains an entry for this variant (Variation ID: 1381416). This variant has not been reported in the literature in individuals affected with RECQL4-related conditions. This variant is not present in population databases (gnomAD no frequency). This sequence change replaces alanine, which is neutral and non-polar, with glycine, which is neutral and non-polar, at codon 111 of the RECQL4 protein (p.Ala111Gly).